The following is an entry in ClinVar:

ClinVar aggregate classification (germline): Uncertain significance (1 of 4 stars; one submission).

Allele frequency attached by ClinVar (database versions not stated): gnomAD 0.00001.
gnomAD v4.1: 17 of 1,613,966 alleles (0.0011%); highest among the groups gnomAD compares: South Asian, 0.016%; no homozygotes.

Submission:

Labcorp Genetics (formerly Invitae), Labcorp
Classification: Uncertain significance. Last evaluated: 2022-05-19. Review status: criteria provided, single submitter. Criteria: Invitae Variant Classification Sherloc (09022015). Collection method: clinical testing. Allele origin: germline.
Comment: In summary, the available evidence is currently insufficient to determine the role of this variant in disease. Therefore, it has been classified as a Variant of Uncertain Significance. Algorithms developed to predict the effect of missense changes on protein structure and function are either unavailable or do not agree on the potential impact of this missense change (SIFT: "Not Available"; PolyPhen-2: "Benign"; Align-GVGD: "Not Available"). This sequence change replaces glutamic acid, which is acidic and polar, with lysine, which is basic and polar, at codon 1181 of the ADAMTS18 protein (p.Glu1181Lys). This variant is present in population databases (no rsID available, gnomAD 0.006%). This variant has not been reported in the literature in individuals affected with ADAMTS18-related conditions.

NM_199355.4(ADAMTS18):c.3541G>A (p.Glu1181Lys)

Genes: ADAMTS18 (ADAM metallopeptidase with thrombospondin type 1 motif 18; minus strand), LOC126862407 (CDK7 strongly-dependent group 2 enhancer GRCh37_chr16:77322970-77324169; plus strand). Cytogenetic location: 16q23.1.
Variant type: single nucleotide variant.
Coding change: c.3541G>A on transcript NM_199355.4 (MANE Select); coding-DNA position 3541, G replaced by A.
Protein change: p.Glu1181Lys; replaces glutamic acid 1181 with lysine.
Molecular consequence: missense variant.
Genome position (GRCh38, 1-based): chr16:77,289,273, C>T on the plus strand (G>A on the coding strand, the complement: ADAMTS18 is on the minus strand). VCF-style: chr16-77289273-C-T. GRCh37 (hg19) VCF-style: chr16-77323170-C-T.
Other names: c.3025G>A, p.Glu1009Lys (NM_001326358.2); short protein forms E1181K, E1009K.
Identifiers: ClinVar variation 2096631 (VCV002096631.4), dbSNP rs1265215255, ClinGen allele CA396830312.